The following is an entry in ClinVar:

NM_000288.4(PEX7):c.319T>A (p.Tyr107Asn)

Gene: PEX7 (peroxisomal biogenesis factor 7; plus strand). Cytogenetic location: 6q23.3.
Variant type: single nucleotide variant.
Coding change: c.319T>A on transcript NM_000288.4 (MANE Select); coding-DNA position 319, T replaced by A.
Protein change: p.Tyr107Asn; replaces tyrosine 107 with asparagine.
Molecular consequence: missense variant.
Genome position (GRCh38, 1-based): chr6:136,826,449, T>A. VCF-style: chr6-136826449-T-A. GRCh37 (hg19) VCF-style: chr6-137147587-T-A.
Other names: c.205T>A, p.Tyr69Asn (NM_001410945.1); short protein forms Y69N, Y107N.
Identifiers: ClinVar variation 2099951 (VCV002099951.1), dbSNP rs2548072206, ClinGen allele CA365855994.

ClinVar aggregate classification (germline): Uncertain significance (1 of 4 stars; one submission).

Conditions:
Peroxisome biogenesis disorder 9B. Also called: PEX7-Related Refsum Disease; Refsum disease, adult, 2; PEROXISOME BIOGENESIS DISORDER, PEX7-RELATED, ATYPICAL. Identifiers: Orphanet 773, MedGen C2749346, MONDO:0013945, OMIM 614879.

Submission:

Labcorp Genetics (formerly Invitae), Labcorp
Classification: Uncertain significance for Peroxisome biogenesis disorder 9B. Last evaluated: 2022-05-28. Review status: criteria provided, single submitter. Criteria: Invitae Variant Classification Sherloc (09022015). Collection method: clinical testing. Allele origin: germline.
Comment: This sequence change replaces tyrosine, which is neutral and polar, with asparagine, which is neutral and polar, at codon 107 of the PEX7 protein (p.Tyr107Asn). This variant is not present in population databases (gnomAD no frequency). This variant has not been reported in the literature in individuals affected with PEX7-related conditions. Algorithms developed to predict the effect of missense changes on protein structure and function are either unavailable or do not agree on the potential impact of this missense change (SIFT: "Tolerated"; PolyPhen-2: "Possibly Damaging"; Align-GVGD: "Class C15"). In summary, the available evidence is currently insufficient to determine the role of this variant in disease. Therefore, it has been classified as a Variant of Uncertain Significance.